The following is an entry in ClinVar:

ClinVar aggregate classification (germline): Uncertain significance. Review status: criteria provided, multiple submitters, no conflicts (2 of 4 stars). 2 submissions from 2 submitters: Uncertain significance (2). Last evaluated 2023-05-20.

Conditions:
Familial sleep-related hypermotor epilepsy. Also called: Autosomal Dominant Sleep-Related Hypermotor (Hyperkinetic) Epilepsy. Identifiers: Orphanet 98784, MedGen C3696898, MONDO:0000030.

Allele frequency attached by ClinVar (database versions not stated): gnomAD exomes below 0.00001; gnomAD 0.00001; TOPMed 0.00002.

Submissions (2):

Labcorp Genetics (formerly Invitae), Labcorp
Classification: Uncertain significance. Last evaluated: 2023-05-20. Review status: criteria provided, single submitter. Criteria: Invitae Variant Classification Sherloc (09022015). Collection method: clinical testing. Allele origin: germline.
Comment: This sequence change replaces glycine, which is neutral and non-polar, with serine, which is neutral and polar, at codon 329 of the CHRNA2 protein (p.Gly329Ser). In summary, the available evidence is currently insufficient to determine the role of this variant in disease. Therefore, it has been classified as a Variant of Uncertain Significance. Advanced modeling of protein sequence and biophysical properties (such as structural, functional, and spatial information, amino acid conservation, physicochemical variation, residue mobility, and thermodynamic stability) performed at Invitae indicates that this missense variant is not expected to disrupt CHRNA2 protein function. ClinVar contains an entry for this variant (Variation ID: 476997). This variant has not been reported in the literature in individuals affected with CHRNA2-related conditions. This variant is present in population databases (rs56371471, gnomAD 0.01%).

Breakthrough Genomics
Classification: Uncertain significance. Review status: criteria provided, single submitter. Criteria: ACMG Guidelines, 2015. Collection method: not provided. Allele origin: germline. Inheritance: Autosomal recessive inheritance. Affected: yes.

NM_000742.4(CHRNA2):c.985G>A (p.Gly329Ser)

Gene: CHRNA2 (cholinergic receptor nicotinic alpha 2 subunit; minus strand). Cytogenetic location: 8p21.2.
Variant type: single nucleotide variant.
Coding change: c.985G>A on transcript NM_000742.4 (MANE Select); coding-DNA position 985, G replaced by A.
Protein change: p.Gly329Ser; replaces glycine 329 with serine.
Molecular consequence: missense variant.
Genome position (GRCh38, 1-based): chr8:27,463,458, C>T on the plus strand (G>A on the coding strand, the complement: CHRNA2 is on the minus strand). VCF-style: chr8-27463458-C-T. GRCh37 (hg19) VCF-style: chr8-27320975-C-T.
Other names: c.940G>A, p.Gly314Ser (NM_001282455.2); c.508G>A, p.Gly170Ser (NM_001347705.2, NM_001347706.2); c.391G>A, p.Gly131Ser (NM_001347707.2, NM_001347708.2); short protein forms G329S, G131S, G314S, G170S.
Identifiers: ClinVar variation 476997 (VCV000476997.6), dbSNP rs56371471, ClinGen allele CA174241943.